The following is an entry in ClinVar:

ClinVar aggregate classification (germline): Conflicting classifications of pathogenicity. Review status: criteria provided, conflicting classifications (1 of 4 stars). 9 submissions from 9 submitters: Uncertain significance (7); Likely benign (2). Last evaluated 2026-07-06.

Conditions:
Rhabdoid tumor predisposition syndrome 2 (RTPS2). Identifiers: Orphanet 231108, Orphanet 69077, MedGen C2750074, MONDO:0013224, OMIM 613325.
Intellectual disability, autosomal dominant 16 (CSS4). Also called: COFFIN-SIRIS SYNDROME 4. Identifiers: Orphanet 1465, MedGen C3553249, MONDO:0013821, OMIM 614609.
Hereditary cancer-predisposing syndrome. Also called: Tumor predisposition; Neoplastic Syndromes, Hereditary; Hereditary Cancer Syndrome; Hereditary neoplastic syndrome. Identifiers: Orphanet 140162, MedGen C0027672, MeSH D009386, MONDO:0015356.

Allele frequency attached by ClinVar (database versions not stated): gnomAD 0.00001; TOPMed 0.00002.
gnomAD v4.1: 26 of 1,612,886 alleles (0.0016%); highest among the groups gnomAD compares: Admixed American, 0.018%; no homozygotes.

Submissions (9):

Myriad Genetics, Inc.
Classification: Likely benign for Rhabdoid tumor predisposition syndrome 2. Last evaluated: 2026-07-06. Review status: criteria provided, single submitter. Criteria: Myriad Autosomal Dominant, Autosomal Recessive and X-Linked Classification Criteria (2023). Collection method: clinical testing. Allele origin: unknown.
Comment: This variant is considered likely benign. This variant has been observed at a population frequency that is significantly greater than expected given the associated disease prevalence and penetrance.

Labcorp Genetics (formerly Invitae), Labcorp
Classification: Uncertain significance for Rhabdoid tumor predisposition syndrome 2. Last evaluated: 2025-12-15. Review status: criteria provided, single submitter. Criteria: Invitae Variant Classification Sherloc (09022015). Collection method: clinical testing. Allele origin: germline.
Comment: This sequence change replaces isoleucine, which is neutral and non-polar, with methionine, which is neutral and non-polar, at codon 366 of the SMARCA4 protein (p.Ile366Met). This variant is present in population databases (rs532242119, gnomAD 0.02%). This missense change has been observed in individual(s) with breast cancer, SMARCA4-related conditions (PMID: 28202063, 37500730). ClinVar contains an entry for this variant (Variation ID: 484848). Invitae Evidence Modeling of protein sequence and biophysical properties (such as structural, functional, and spatial information, amino acid conservation, physicochemical variation, residue mobility, and thermodynamic stability) indicates that this missense variant is not expected to disrupt SMARCA4 protein function with a negative predictive value of 80%. In summary, the available evidence is currently insufficient to determine the role of this variant in disease. Therefore, it has been classified as a Variant of Uncertain Significance.

Quest Diagnostics Nichols Institute San Juan Capistrano
Classification: Uncertain significance. Last evaluated: 2025-10-31. Review status: criteria provided, single submitter. Criteria: Quest Diagnostics criteria. Collection method: clinical testing. Allele origin: unknown.
Comment: The SMARCA4 c.1098C>G (p.Ile366Met) variant has been reported in an individual with a family history of breast cancer (PMID: 28202063 (2017)) as well as an individual with a neurodevelopmental disorder (PMID: 37500730 (2023)). The frequency of this variant in the general population (Genome Aggregation Database) is higher than would generally be expected for pathogenic variants in this gene. Analysis of this variant using bioinformatics tools for the prediction of the effect of amino acid changes on protein structure and function yielded predictions that this variant is benign. Based on the available information, we are unable to determine the clinical significance of this variant.

ARUP Laboratories, Molecular Genetics and Genomics, ARUP Laboratories
Classification: Uncertain significance. Last evaluated: 2025-03-07. Review status: criteria provided, single submitter. Criteria: ARUP Molecular Germline Variant Investigation Process 2024. Collection method: clinical testing. Allele origin: germline.
Comment: The SMARCA4 c.1098C>G; p.Ile366Met variant (rs532242119, ClinVar Variation ID: 484848) is reported in the literature in 2 individuals affected with neurodevelopmental disorders (NDDs) (Valencia 2023). This variant is also reported in a familial breast cancer patient, who also has 3 other variants including a nonsense variant in BRCA2 (Jalkh 2017). This variant is found in the general population with an overall allele frequency of 0.0037% (9/241244 alleles) in the Genome Aggregation Database (v2.1.1). Computational analyses are uncertain whether this variant is neutral or deleterious (REVEL: 0.423). Due to limited information, the clinical significance of this variant is uncertain at this time. References: Jalkh et al. Next-generation sequencing in familial breast cancer patients from Lebanon. BMC Med Genomics. 2017 Feb 15;10(1):8. PMID: 28202063. Valencia et al. Landscape of mSWI/SNF chromatin remodeling complex perturbations in neurodevelopmental disorders. Nat Genet. 2023 Aug;55(8):1400-1412. PMID: 37500730.

Baylor Genetics
Classification: Uncertain significance for Rhabdoid tumor predisposition syndrome 2. Last evaluated: 2024-01-09. Review status: criteria provided, single submitter. Criteria: ACMG Guidelines, 2015. Collection method: clinical testing. Allele origin: unknown.

Ambry Genetics
Classification: Likely benign for Hereditary cancer-predisposing syndrome. Last evaluated: 2022-06-16. Review status: criteria provided, single submitter. Criteria: Ambry Variant Classification Scheme 2023. Collection method: clinical testing. Allele origin: germline.

Sema4
Classification: Uncertain significance for Hereditary cancer-predisposing syndrome. Last evaluated: 2021-12-22. Review status: criteria provided, single submitter. Criteria: Sema4 Curation Guidelines. Collection method: curation. Allele origin: germline.
Comment: The SMARCA4 c.1098C>G (p.I366M) variant has been reported in an individual with hereditary breast cancer, who was a carrier of pathogenic variant in BRCA2 gene explaining the phenotype (PMID: 28202063). It was observed in 7/34334 chromosomes in the Latino (AMR) subpopulation according to the Genome Aggregation Database (PMID: 32461654). This variant has been reported in ClinVar (Variation ID: 484848). Functional studies have not been performed, and in silico predictions of the variant's effect on protein function are inconclusive. The evidence is insufficient to meet ACMG/AMP criteria for classifying the variant as benign or pathogenic. Thus, the clinical significance of this variant is currently uncertain.

Genome-Nilou Lab
Classification: Uncertain significance for Intellectual disability, autosomal dominant 16. Last evaluated: 2021-07-15. Review status: criteria provided, single submitter. Criteria: ACMG Guidelines, 2015. Collection method: clinical testing. Allele origin: germline. Affected: no.

Fulgent Genetics
Classification: Uncertain significance for Rhabdoid tumor predisposition syndrome 2; Intellectual disability, autosomal dominant 16. Last evaluated: 2018-10-31. Review status: criteria provided, single submitter. Criteria: ACMG Guidelines, 2015. Collection method: clinical testing. Allele origin: unknown.

Literature cited by the submitters: PubMed 28202063 (cited by 4 submitters); PubMed 37500730 (cited by Labcorp Genetics (formerly Invitae), Labcorp and Quest Diagnostics Nichols Institute San Juan Capistrano); PubMed 31097095 (cited by Ambry Genetics).

NM_003072.5(SMARCA4):c.1098C>G (p.Ile366Met)

Gene: SMARCA4 (SWI/SNF related BAF chromatin remodeling complex subunit ATPase 4; plus strand). Cytogenetic location: 19p13.2.
Variant type: single nucleotide variant.
Coding change: c.1098C>G on transcript NM_003072.5 (MANE Select); coding-DNA position 1098, C replaced by G.
Protein change: p.Ile366Met; replaces isoleucine 366 with methionine.
Molecular consequence: missense variant. On other transcripts: non-coding transcript variant (1).
Genome position (GRCh38, 1-based): chr19:10,987,904, C>G. VCF-style: chr19-10987904-C-G. GRCh37 (hg19) VCF-style: chr19-11098580-C-G.
Other names: c.1098C>G, p.Ile366Met (NM_001128844.3, NM_001128845.2, NM_001128846.2 and 5 more transcripts); short protein forms I366M.
Identifiers: ClinVar variation 484848 (VCV000484848.22), dbSNP rs532242119, ClinGen allele CA9203670.
Genomic context (GRCh38, chr19:10,987,904, plus strand): 5'-CCAGAAGCAGAGCCGCATCACCCCCATCCAGAAGCCGCGGGGCCTCGACCCTGTGGAGAT[C>G]CTGCAGGAGCGCGAGTACAGGTGAGGGCGGGGCCCAGTTGCCAAGGTCACTGCCCTGTGT-3'
Protein context (NP_003063.2, residues 356-376): QKPRGLDPVE[Ile366Met]LQEREYRLQA